The following is an entry in ClinVar:

ClinVar aggregate classification (germline): Benign (1 of 4 stars; one submission).

Allele frequency attached by ClinVar (database versions not stated): gnomAD exomes 0.07510; gnomAD 0.08122 and 0.08985; TOPMed 0.09867; 1000 Genomes Project 30x 0.19160; 1000 Genomes Project 0.19768.
gnomAD v4.1: 106,152 of 1,368,724 alleles (7.8%); highest among the groups gnomAD compares: East Asian, 59%; 12,094 homozygotes.

Submission:

GeneDx
Classification: Benign. Last evaluated: 2018-06-19. Review status: criteria provided, single submitter. Criteria: GeneDx Variant Classification (06012015). Collection method: clinical testing. Allele origin: germline. Affected: yes.
Comment: This variant is considered likely benign or benign based on one or more of the following criteria: it is a conservative change, it occurs at a poorly conserved position in the protein, it is predicted to be benign by multiple in silico algorithms, and/or has population frequency not consistent with disease.

NM_018341.3(ERMARD):c.1739+97C>T

Gene: ERMARD (ER membrane associated RNA degradation; plus strand). Cytogenetic location: 6q27.
Variant type: single nucleotide variant.
Coding change: c.1739+97C>T on transcript NM_018341.3 (MANE Select); 97 bases into the intron after coding-DNA position 1739, C replaced by T.
Molecular consequence: intron variant.
Genome position (GRCh38, 1-based): chr6:169,776,770, C>T. VCF-style: chr6-169776770-C-T. GRCh37 (hg19) VCF-style: chr6-170176866-C-T.
Other names: c.1598+359C>T (NM_001278531.2); c.1520+705C>T (NM_001278533.2); c.1361+97C>T (NM_001278532.2).
Identifiers: ClinVar variation 681698 (VCV000681698.1), dbSNP rs9383525, ClinGen allele CA12381924.